The following is an entry in ClinVar:

NM_021620.4(PRDM13):c.1246C>G (p.Pro416Ala)

Gene: PRDM13 (PR/SET domain 13; plus strand). Cytogenetic location: 6q16.2.
Variant type: single nucleotide variant.
Coding change: c.1246C>G on transcript NM_021620.4 (MANE Select); coding-DNA position 1246, C replaced by G.
Protein change: p.Pro416Ala; replaces proline 416 with alanine.
Molecular consequence: missense variant.
Genome position (GRCh38, 1-based): chr6:99,613,881, C>G. VCF-style: chr6-99613881-C-G. GRCh37 (hg19) VCF-style: chr6-100061757-C-G.
Other names: short protein forms P416A.
Identifiers: ClinVar variation 1381005 (VCV001381005.6), dbSNP rs772097000, ClinGen allele CA3936335.
Genomic context (GRCh38, chr6:99,613,881, plus strand): 5'-CCGGAAGAGGCGTCCGCCTTCAAGCACGTGGAGCGCGCCCCGCCCGCAGCCGCCGCGCTG[C>G]CAGGAGCGCGTTATGCGCAGCTGCCCCCTGCGCCGGGGTTGCCCCTCGAGCGCTGCGCGC-3'
Protein context (NP_067633.2, residues 406-426): ERAPPAAAAL[Pro416Ala]GARYAQLPPA

ClinVar aggregate classification (germline): Uncertain significance (1 of 4 stars; one submission).

Allele frequency attached by ClinVar (database versions not stated): ExAC 0.00006; gnomAD exomes below 0.00001 and 0.00001; TOPMed below 0.00001.

Submission:

Labcorp Genetics (formerly Invitae), Labcorp
Classification: Uncertain significance. Last evaluated: 2022-07-05. Review status: criteria provided, single submitter. Criteria: Invitae Variant Classification Sherloc (09022015). Collection method: clinical testing. Allele origin: germline.
Comment: In summary, the available evidence is currently insufficient to determine the role of this variant in disease. Therefore, it has been classified as a Variant of Uncertain Significance. Algorithms developed to predict the effect of missense changes on protein structure and function (SIFT, PolyPhen-2, Align-GVGD) all suggest that this variant is likely to be tolerated. ClinVar contains an entry for this variant (Variation ID: 1381005). This variant has not been reported in the literature in individuals affected with PRDM13-related conditions. This variant is present in population databases (rs772097000, gnomAD 0.002%). This sequence change replaces proline, which is neutral and non-polar, with alanine, which is neutral and non-polar, at codon 416 of the PRDM13 protein (p.Pro416Ala).